The following is an entry in ClinVar:

NM_001077653.2(TBX20):c.1065T>G (p.Ser355Arg)

Gene: TBX20 (T-box transcription factor 20; minus strand). Cytogenetic location: 7p14.2.
Variant type: single nucleotide variant.
Coding change: c.1065T>G on transcript NM_001077653.2 (MANE Select); coding-DNA position 1065, T replaced by G.
Protein change: p.Ser355Arg; replaces serine 355 with arginine.
Molecular consequence: missense variant.
Genome position (GRCh38, 1-based): chr7:35,202,709, A>C on the plus strand (T>G on the coding strand, the complement: TBX20 is on the minus strand). VCF-style: chr7-35202709-A-C. GRCh37 (hg19) VCF-style: chr7-35242321-A-C.
Other names: short protein forms S355R.
Identifiers: ClinVar variation 2565378 (VCV002565378.6), dbSNP rs1373622372, ClinGen allele CA367263287.

ClinVar aggregate classification (germline): Uncertain significance. Review status: criteria provided, multiple submitters, no conflicts (2 of 4 stars). 3 submissions from 3 submitters: Uncertain significance (3). Last evaluated 2024-07-11.

Conditions:
Cardiovascular phenotype. Identifiers: MedGen CN230736.

Allele frequency attached by ClinVar (database versions not stated): gnomAD exomes 0.00001.

Submissions (3):

GeneDx
Classification: Uncertain significance. Last evaluated: 2024-07-11. Review status: criteria provided, single submitter. Criteria: GeneDx Variant Classification Process June 2021. Collection method: clinical testing. Allele origin: germline. Affected: yes.
Comment: Has not been previously published as pathogenic or benign to our knowledge; Not observed at significant frequency in large population cohorts (gnomAD); In silico analysis suggests this variant may impact gene splicing. In the absence of RNA/functional studies, the actual effect of this sequence change is unknown.; In silico analysis indicates that this missense variant does not alter protein structure/function

Ambry Genetics
Classification: Uncertain significance for Cardiovascular phenotype. Last evaluated: 2023-05-27. Review status: criteria provided, single submitter. Criteria: Ambry Variant Classification Scheme 2023. Collection method: clinical testing. Allele origin: germline.
Comment: The p.S355R variant (also known as c.1065T>G), located in coding exon 8 of the TBX20 gene, results from a T to G substitution at nucleotide position 1065. The serine at codon 355 is replaced by arginine, an amino acid with dissimilar properties. This amino acid position is conserved. In addition, this alteration is predicted to be tolerated by in silico analysis. Since supporting evidence is limited at this time, the clinical significance of this alteration remains unclear.

Labcorp Genetics (formerly Invitae), Labcorp
Classification: Uncertain significance. Last evaluated: 2023-03-08. Review status: criteria provided, single submitter. Criteria: Invitae Variant Classification Sherloc (09022015). Collection method: clinical testing. Allele origin: germline.
Comment: This variant is present in population databases (no rsID available, gnomAD 0.001%). This sequence change replaces serine, which is neutral and polar, with arginine, which is basic and polar, at codon 355 of the TBX20 protein (p.Ser355Arg). Algorithms developed to predict the effect of sequence changes on RNA splicing suggest that this variant may create or strengthen a splice site. Advanced modeling of protein sequence and biophysical properties (such as structural, functional, and spatial information, amino acid conservation, physicochemical variation, residue mobility, and thermodynamic stability) performed at Invitae indicates that this missense variant is not expected to disrupt TBX20 protein function. This variant has not been reported in the literature in individuals affected with TBX20-related conditions. In summary, the available evidence is currently insufficient to determine the role of this variant in disease. Therefore, it has been classified as a Variant of Uncertain Significance.